The following is an entry in ClinVar:

ClinVar aggregate classification (germline): Uncertain significance (1 of 4 stars; one submission).

Conditions:
Autosomal dominant nocturnal frontal lobe epilepsy 5. Also called: Epilepsy, nocturnal frontal lobe, 5; CILIARY DYSKINESIA, PRIMARY, 28, WITHOUT SITUS INVERSUS; CILIARY DYSKINESIA, PRIMARY, 28, WITH SITUS INVERSUS; KCNT1-Related Epilepsy. Identifiers: Orphanet 98784, MedGen C3554306, MONDO:0014002, OMIM 615005.
Developmental and epileptic encephalopathy, 14 (DEE14). Also called: Early infantile epileptic encephalopathy 14. Identifiers: Orphanet 293181, MedGen C3554195, MONDO:0013989, OMIM 614959.

Submission:

Labcorp Genetics (formerly Invitae), Labcorp
Classification: Uncertain significance for Autosomal dominant nocturnal frontal lobe epilepsy 5; Developmental and epileptic encephalopathy, 14. Last evaluated: 2023-01-15. Review status: criteria provided, single submitter. Criteria: Invitae Variant Classification Sherloc (09022015). Collection method: clinical testing. Allele origin: germline.
Comment: In summary, the available evidence is currently insufficient to determine the role of this variant in disease. Therefore, it has been classified as a Variant of Uncertain Significance. Experimental studies and prediction algorithms are not available or were not evaluated, and the functional significance of this variant is currently unknown. This variant has not been reported in the literature in individuals affected with KCNT1-related conditions. This variant is not present in population databases (gnomAD no frequency). This variant, c.1957_1958insACGGGC, results in the insertion of 2 amino acid(s) of the KCNT1 protein (p.Gly652_Leu653insHisGly), but otherwise preserves the integrity of the reading frame.

NM_020822.3(KCNT1):c.1957_1958insACGGGC (p.Gly652_Leu653insHisGly)

Gene: KCNT1 (potassium sodium-activated channel subfamily T member 1; plus strand). Cytogenetic location: 9q34.3.
Variant type: Insertion.
Coding change: c.1957_1958insACGGGC on transcript NM_020822.3 (MANE Select); coding-DNA positions 1957 to 1958, ACGGGC inserted.
Protein change: p.Gly652_Leu653insHisGly.
Molecular consequence: inframe insertion.
Genome position: GRCh38 VCF-style: chr9-135771040-G-GGGGCAC. GRCh37 (hg19) VCF-style: chr9-138662886-G-GGGGCAC.
Other names: c.1822_1823insACGGGC, p.Gly607_Leu608insHisGly (NM_001272003.2).
Identifiers: ClinVar variation 2942362 (VCV002942362.3), dbSNP rs2490972650, ClinGen allele CA2579510981.
Genomic context (GRCh38, chr9:135,771,040, plus strand): 5'-GAACTCGGCCTTCATCTTCAAGCAGGAGGAGAAGCGGAAGAAGAGGGCCTTCTCGGGGCA[G>GGGGCAC]GGGCTGCACGAGGGTCCGGCCCGCCTGCCCGTGCACAGCATCATCGCCTCCATGGGTGAG-3'